The following is an entry in ClinVar:

NC_000023.10:g.(?_33032666)_(33229429_?)del

Gene: DMD (dystrophin; minus strand). Cytogenetic location: Xp21.1.
Variant type: Deletion.
Identifiers: ClinVar variation 1459703 (VCV001459703.8).

ClinVar aggregate classification (germline): Pathogenic (1 of 4 stars; one submission).

Conditions:
Duchenne muscular dystrophy (DMD). Also called: Duchenne Muscular Dystrophy (DMD); MUSCULAR DYSTROPHY, PSEUDOHYPERTROPHIC PROGRESSIVE, DUCHENNE TYPE. Identifiers: Orphanet 98896, MedGen C0013264, MONDO:0010679, OMIM 310200.

Submission:

Labcorp Genetics (formerly Invitae), Labcorp
Classification: Pathogenic for Duchenne muscular dystrophy. Last evaluated: 2023-10-18. Review status: criteria provided, single submitter. Criteria: Invitae Variant Classification Sherloc (09022015). Collection method: clinical testing. Allele origin: germline.
Comment: This variant is a gross deletion of the genomic region encompassing exon(s) 1-2 of the DMD gene, which includes the initiator codon. This deletion extends beyond the assayed region for this gene and therefore may encompass additional genes. It is expected to result in an absent or disrupted protein product. Loss-of-function variants in DMD are known to be pathogenic (PMID: 16770791, 25007885). A similar copy number variant has been observed in individuals with Duchenne muscular dystrophy (PMID: 17854090, 26081009, 31705731). For these reasons, this variant has been classified as Pathogenic.

Literature cited by the submitters: PubMed 16770791; PubMed 25007885; PubMed 17854090; PubMed 26081009; PubMed 31705731.